The following is an entry in ClinVar:

ClinVar aggregate classification (germline): Uncertain significance (1 of 4 stars; one submission).

Conditions:
Tuberous sclerosis syndrome (TSC). Also called: Tuberous Sclerosis Complex; Tuberous sclerosis. Identifiers: Orphanet 805, MedGen C0041341, MONDO:0001734.

Submission:

All of Us Research Program, National Institutes of Health
Classification: Uncertain significance for Tuberous sclerosis syndrome. Last evaluated: 2023-11-30. Review status: criteria provided, single submitter. Criteria: ACMG Guidelines, 2015. Collection method: clinical testing. Allele origin: germline. Inheritance: Autosomal dominant inheritance. Observed: 1 variant allele, 1 heterozygote.
Comment: This study involves interpretation of variants in research participants for the purpose of population health screening. Participant phenotype was not available at the time of variant classification. Additional details can be found in publication PMID: 35346344, PMCID: PMC8962531

NM_000548.5(TSC2):c.4130A>G (p.Gln1377Arg)

Gene: TSC2 (TSC complex subunit 2; plus strand). Cytogenetic location: 16p13.3.
Variant type: single nucleotide variant.
Coding change: c.4130A>G on transcript NM_000548.5 (MANE Select); coding-DNA position 4130, A replaced by G.
Protein change: p.Gln1377Arg; replaces glutamine 1377 with arginine.
Molecular consequence: missense variant. On other transcripts: non-coding transcript variant (5).
Genome position (GRCh38, 1-based): chr16:2,084,352, A>G. VCF-style: chr16-2084352-A-G. GRCh37 (hg19) VCF-style: chr16-2134353-A-G.
Other names: c.3929A>G, p.Gln1310Arg (NM_001077183.3); c.4061A>G, p.Gln1354Arg (NM_001114382.3); c.3821A>G, p.Gln1274Arg (NM_001318827.2); c.3785A>G, p.Gln1262Arg (NM_001318829.2); c.3398A>G, p.Gln1133Arg (NM_001318831.2); c.3962A>G, p.Gln1321Arg (NM_001318832.2); c.3932A>G, p.Gln1311Arg (NM_001363528.2); c.3998A>G, p.Gln1333Arg (NM_001370404.1); and 26 more; short protein forms Q1110R, Q1111R, Q1133R, Q1153R, Q1154R, Q1157R, Q1177R, Q1261R.
Identifiers: ClinVar variation 3073920 (VCV003073920.1), dbSNP rs2151524153, ClinGen allele CA394299593.